The following is an entry in ClinVar:

ClinVar aggregate classification (germline): Likely benign. Review status: criteria provided, multiple submitters, no conflicts (2 of 4 stars). 2 submissions from 2 submitters: Likely benign (2). Last evaluated 2025-01-13.

Conditions:
Pitt-Hopkins-like syndrome 2 (PTHSL2). Identifiers: Orphanet 221150, Orphanet 600663, MedGen C3280479, MONDO:0013690, OMIM 614325.

Allele frequency attached by ClinVar (database versions not stated): TOPMed 0.00002.
gnomAD v4.1: 7 of 1,495,292 alleles (0.00047%); highest among the groups gnomAD compares: East Asian, 0.0023%; no homozygotes.

Submissions (2):

Labcorp Genetics (formerly Invitae), Labcorp
Classification: Likely benign for Pitt-Hopkins-like syndrome 2. Last evaluated: 2025-01-13. Review status: criteria provided, single submitter. Criteria: Invitae Variant Classification Sherloc (09022015). Collection method: clinical testing. Allele origin: germline.

GeneDx
Classification: Likely benign. Last evaluated: 2017-11-20. Review status: criteria provided, single submitter. Criteria: GeneDx Variant Classification (06012015). Collection method: clinical testing. Allele origin: germline. Affected: yes.
Comment: This variant is considered likely benign or benign based on one or more of the following criteria: it is a conservative change, it occurs at a poorly conserved position in the protein, it is predicted to be benign by multiple in silico algorithms, and/or has population frequency not consistent with disease.

NM_001330078.2(NRXN1):c.772+16C>T

Gene: NRXN1 (neurexin 1; minus strand). Cytogenetic location: 2p16.3.
Variant type: single nucleotide variant.
Coding change: c.772+16C>T on transcript NM_001330078.2 (MANE Select); 16 bases into the intron after coding-DNA position 772, C replaced by T.
Molecular consequence: intron variant.
Genome position (GRCh38, 1-based): chr2:51,027,486, G>A on the plus strand (C>T on the coding strand, the complement: NRXN1 is on the minus strand). VCF-style: chr2-51027486-G-A. GRCh37 (hg19) VCF-style: chr2-51254624-G-A.
Other names: c.772+16C>T (NM_001330096.2, NM_001330087.2, NM_001330083.2 and 15 more transcripts).
Identifiers: ClinVar variation 513371 (VCV000513371.3), dbSNP rs1038056478, ClinGen allele CA532707902.